The following is an entry in ClinVar:

NM_001458.5(FLNC):c.1211-5G>C

Gene: FLNC (filamin C; plus strand). Cytogenetic location: 7q32.1.
Variant type: single nucleotide variant.
Coding change: c.1211-5G>C on transcript NM_001458.5 (MANE Select); 5 bases into the intron before coding-DNA position 1211, G replaced by C.
Molecular consequence: intron variant.
Genome position (GRCh38, 1-based): chr7:128,838,598, G>C. VCF-style: chr7-128838598-G-C. GRCh37 (hg19) VCF-style: chr7-128478652-G-C.
Other names: c.1211-5G>C (NM_001127487.2, NM_001458.4).
Identifiers: ClinVar variation 3750862 (VCV003750862.3).

ClinVar aggregate classification (germline): Conflicting classifications of pathogenicity. Review status: criteria provided, conflicting classifications (1 of 4 stars). 2 submissions from 2 submitters: Uncertain significance (1); Likely benign (1). Last evaluated 2026-04-28.

Conditions:
Cardiovascular phenotype. Identifiers: MedGen CN230736.
Distal myopathy with posterior leg and anterior hand involvement. Also called: WILLIAMS DISTAL MYOPATHY. Identifiers: Orphanet 63273, MedGen C3279722, MONDO:0013550, OMIM 614065.
Hypertrophic cardiomyopathy 26. Also called: Cardiomyopathy, familial hypertrophic, 26. Identifiers: Orphanet 75249, MedGen C4310749, MONDO:0014883, OMIM 617047.
Myofibrillar myopathy 5. Also called: Filaminopathy (type); FILAMINOPATHY, AUTOSOMAL DOMINANT. Identifiers: Orphanet 171445, MedGen C1836050, MONDO:0012289, OMIM 609524.

gnomAD v4.1: 1 of 1,612,844 alleles (0.000062%); highest among the groups gnomAD compares: Non-Finnish European, 0.000085%; no homozygotes.

Submissions (2):

Ambry Genetics
Classification: Uncertain significance for Cardiovascular phenotype. Last evaluated: 2026-04-28. Review status: criteria provided, single submitter. Criteria: Ambry Variant Classification Scheme 2023. Collection method: clinical testing. Allele origin: germline.
Comment: The c.1211-5G>C intronic variant results from a G to C substitution 5 nucleotides upstream from coding exon 8 in the FLNC gene. This nucleotide position is not well conserved in available vertebrate species. In silico splice site analysis predicts that this alteration will not have any significant effect on splicing. Based on the available evidence, the clinical significance of this variant remains unclear.

Labcorp Genetics (formerly Invitae), Labcorp
Classification: Likely benign for Distal myopathy with posterior leg and anterior hand involvement; Myofibrillar myopathy 5; Hypertrophic cardiomyopathy 26. Last evaluated: 2024-06-26. Review status: criteria provided, single submitter. Criteria: Invitae Variant Classification Sherloc (09022015). Collection method: clinical testing. Allele origin: germline.